The following is an entry in ClinVar:

NM_000294.3(PHKG2):c.698T>C (p.Phe233Ser)

Gene: PHKG2 (phosphorylase kinase catalytic subunit gamma 2; plus strand). Cytogenetic location: 16p11.2.
Variant type: single nucleotide variant.
Coding change: c.698T>C on transcript NM_000294.3 (MANE Select); coding-DNA position 698, T replaced by C.
Protein change: p.Phe233Ser; replaces phenylalanine 233 with serine.
Molecular consequence: missense variant.
Genome position (GRCh38, 1-based): chr16:30,756,417, T>C. VCF-style: chr16-30756417-T-C. GRCh37 (hg19) VCF-style: chr16-30767738-T-C.
Other names: c.698T>C, p.Phe233Ser (NM_001172432.2); short protein forms F233S.
Identifiers: ClinVar variation 3041477 (VCV003041477.5), dbSNP rs2053427702, ClinGen allele CA395658740.
Genomic context (GRCh38, chr16:30,756,417, plus strand): 5'-TCTTTCCCAGCTGGGCCTGTGGGGTGATCTTGTTCACACTCCTGGCTGGCTCGCCACCCT[T>C]CTGGCACCGGCGGCAGATCCTGATGTTACGCATGATCATGGAGGGCCAGTACCAGTTCAG-3'
Protein context (NP_000285.1, residues 223-243): LFTLLAGSPP[Phe233Ser]WHRRQILMLR

ClinVar aggregate classification (germline): Conflicting classifications of pathogenicity. Review status: criteria provided, conflicting classifications (1 of 4 stars). 4 submissions from 4 submitters: Likely pathogenic (1); Uncertain significance (1). 2 of the submissions do not count toward it. Last evaluated 2024-07-24.

Conditions:
PHKG2-related disorder. Also called: PHKG2-related condition.
Glycogen storage disease IXc (GSD9C). Also called: GSD IXc. Identifiers: Orphanet 264580, MedGen C2751643, MONDO:0013091, OMIM 613027.
Glycogen phosphorylase kinase deficiency. Also called: Phosphorylase Kinase Deficiency; Glycogen Storage Disease Type IX. Identifiers: Orphanet 370, MedGen C0268147, MONDO:0700291.

Allele frequency attached by ClinVar (database versions not stated): gnomAD exomes below 0.00001; TOPMed below 0.00001; gnomAD 0.00001.
gnomAD v4.1: 2 of 1,613,906 alleles (0.00012%); highest among the groups gnomAD compares: African/African-American, 0.0013%; no homozygotes.

Submissions (4):

Women's Health and Genetics/Laboratory Corporation of America, LabCorp
Classification: Likely pathogenic for Glycogen phosphorylase kinase deficiency. Last evaluated: 2024-07-24. Review status: criteria provided, single submitter. Criteria: LabCorp Variant Classification Summary - May 2015. Collection method: clinical testing. Allele origin: germline.
Comment: Variant summary: PHKG2 c.698T>C (p.Phe233Ser) results in a non-conservative amino acid change located in the Protein kinase domain (IPR000719) of the encoded protein sequence. Five of five in-silico tools predict a damaging effect of the variant on protein function. The variant was absent in 251288 control chromosomes (gnomAD). c.698T>C has been reported in the literature in individuals affected with Glycogen Phosphorylase Kinase Deficiency (Korula_2020, Shao_2022). These data indicate that the variant may be associated with disease. At least one publication reports experimental evidence evaluating an impact on protein function, finding that the variant results in <10% of normal enzymatic activity (Shao_2022). The following publications has been ascertained in the context of this evaluation (PMID: 32405178, 35549678). ClinVar contains an entry for this variant (Variation ID: 3041477). Based on the evidence outlined above, the variant was classified as likely pathogenic.

Neuberg Centre For Genomic Medicine, NCGM
Classification: Uncertain significance for Glycogen storage disease IXc. Review status: criteria provided, single submitter. Criteria: ACMG Guidelines, 2015. Collection method: clinical testing. Allele origin: germline. Inheritance: Autosomal recessive inheritance. Affected: yes.
Comment: The missense c.698T>Cp.Phe233Ser variant in PHKG2 gene has not been reported previously as a pathogenic variant nor as a benign variant, to our knowledge. This variant is novel not in any individuals in gnomAD Exomes and 1000 Genomes. The amino acid Phe at position 233 is changed to a Ser changing protein sequence and it might alter its composition and physico-chemical properties. The amino acid change p.Phe233Ser in PHKG2 is predicted as conserved by GERP++ and PhyloP across 100 vertebrates. The variant is predicted as damaging by SIFT. For these reasons, this variant has been classified as Uncertain Significance.

PreventionGenetics, part of Exact Sciences
Classification: Pathogenic for PHKG2-related condition. Last evaluated: 2023-12-11. Review status: no assertion criteria provided. Collection method: clinical testing. Allele origin: germline. Not counted in ClinVar's aggregate classification.
Comment: The PHKG2 c.698T>C variant is predicted to result in the amino acid substitution p.Phe233Ser. This variant has been reported in the homozygous or compound heterozygous states in individuals diagnosed with a glycogen storage disorder (GSD) (Korula et al. 2020. PubMed ID: 32405178; Shao et al. 2022. PubMed ID: 35549678). In in vitro functional studies, the p.Phe233Ser substitution lead to reduced PHKG2 mRNA levels as well as a decrease in enzyme activity to 3.5% of control (Shao et al. 2022. PubMed ID: 35549678). We have also observed this variant internally in the homozygous state in patients with clinical features consistent with GSD type IX; The c.698T>C variant is absent from a large population database, indicating it is rare. Based on the collective evidence, we interpret this variant as pathogenic.

Genetics laboratory, Institute of Kidney Diseases & Research Centre Dr. H.L. Trivedi Institute Of Transplantation Sciences
Classification: Likely pathogenic for Glycogen storage disease IXc. Review status: no assertion criteria provided. Collection method: clinical testing. Allele origin: germline. Inheritance: Autosomal recessive inheritance. Affected: yes. Observed: 1 variant allele, 1 homozygote. Not counted in ClinVar's aggregate classification.
Comment: Reported Likely Pathogenic in Clinvar, Franklin and Varsome Classified Based on PM2,PP3,PP5,PM1 Mutation match with phenotype

Literature cited by the submitters: PubMed 32405178 (cited by Women's Health and Genetics/Laboratory Corporation of America, LabCorp); PubMed 35549678 (cited by Women's Health and Genetics/Laboratory Corporation of America, LabCorp).